The following is an entry in ClinVar:

ClinVar aggregate classification (germline): Conflicting classifications of pathogenicity. Review status: criteria provided, conflicting classifications (1 of 4 stars). 4 submissions from 4 submitters: Uncertain significance (1); Likely benign (3). Last evaluated 2025-10-14.

Conditions:
Cardiomyopathy (CMYO). Also called: Cardiomyopathies. Identifiers: Orphanet 167848, MedGen C0878544, MONDO:0004994, HP:0001638. Inheritance: Various modes of inheritance.
Lethal congenital glycogen storage disease of heart. Also called: GLYCOGEN STORAGE DISEASE OF HEART; PHOSPHORYLASE KINASE DEFICIENCY OF HEART. Identifiers: Orphanet 439854, MedGen C1849813, MONDO:0009867, OMIM 261740.

Allele frequency attached by ClinVar (database versions not stated): gnomAD 0.00001; TOPMed 0.00001.
gnomAD v4.1: 52 of 1,391,936 alleles (0.0037%); highest among the groups gnomAD compares: Non-Finnish European, 0.0048%; no homozygotes.

Submissions (4):

Labcorp Genetics (formerly Invitae), Labcorp
Classification: Likely benign for Lethal congenital glycogen storage disease of heart. Last evaluated: 2025-10-14. Review status: criteria provided, single submitter. Criteria: Invitae Variant Classification Sherloc (09022015). Collection method: clinical testing. Allele origin: germline.

Color Diagnostics, LLC DBA Color Health
Classification: Likely benign for Cardiomyopathy. Last evaluated: 2019-05-13. Review status: criteria provided, single submitter. Criteria: ACMG Guidelines, 2015. Collection method: clinical testing. Allele origin: germline.

GeneDx
Classification: Likely benign. Last evaluated: 2016-03-29. Review status: criteria provided, single submitter. Criteria: GeneDx Variant Classification (06012015). Collection method: clinical testing. Allele origin: germline. Affected: yes.
Comment: This variant is considered likely benign or benign based on one or more of the following criteria: it is a conservative change, it occurs at a poorly conserved position in the protein, it is predicted to be benign by multiple in silico algorithms, and/or has population frequency not consistent with disease.

Laboratory for Molecular Medicine, Mass General Brigham Personalized Medicine
Classification: Uncertain significance. Last evaluated: 2012-01-19. Review status: criteria provided, single submitter. Criteria: LMM Criteria. Collection method: clinical testing. Allele origin: germline. Observed: 2 variant alleles.
Comment: Variant classified as Uncertain Significance - Favor Benign. The 685-7C>A variant is located in the 3' splice region but computati onal analyses do not predict altered splicing, though the accuracy of these tool s is unknown. Although this variant is likely to be benign when seen in isolatio n, we cannot rule out a modifying role. Additional information is needed to full y assess its clinical significance.

NM_016203.4(PRKAG2):c.685-7C>A

Genes: PRKAG2 (protein kinase AMP-activated non-catalytic subunit gamma 2; minus strand), LOC129999660 (ATAC-STARR-seq lymphoblastoid silent region 18823; plus strand). Cytogenetic location: 7q36.1.
Variant type: single nucleotide variant.
Coding change: c.685-7C>A on transcript NM_016203.4 (MANE Select); 7 bases into the intron before coding-DNA position 685, C replaced by A.
Molecular consequence: intron variant. On other transcripts: 5 prime UTR variant (1).
Genome position (GRCh38, 1-based): chr7:151,632,145, G>T on the plus strand (C>A on the coding strand, the complement: PRKAG2 is on the minus strand). VCF-style: chr7-151632145-G-T. GRCh37 (hg19) VCF-style: chr7-151329231-G-T.
Other names: c.-46C>A (NM_024429.2); c.553-7C>A (NM_001040633.2); c.313-7C>A (NM_001304527.2, NM_001363698.2); c.-39-7C>A (NM_001304531.2).
Identifiers: ClinVar variation 45731 (VCV000045731.19), dbSNP rs397517278, ClinGen allele CA014483.